The following is an entry in ClinVar:

NM_000445.5(PLEC):c.118C>T (p.Arg40Trp)

Gene: PLEC (plectin; minus strand). Cytogenetic location: 8q24.3.
Variant type: single nucleotide variant.
Coding change: c.118C>T on transcript NM_000445.5; coding-DNA position 118, C replaced by T.
Protein change: p.Arg40Trp; replaces arginine 40 with tryptophan.
Molecular consequence: missense variant.
Genome position (GRCh38, 1-based): chr8:143,975,252, G>A on the plus strand (C>T on the coding strand, the complement: PLEC is on the minus strand). VCF-style: chr8-143975252-G-A. GRCh37 (hg19) VCF-style: chr8-145049420-G-A.
Other names: c.118C>T, p.Arg40Trp (NM_001410941.1); short protein forms R40W.
Identifiers: ClinVar variation 448050 (VCV000448050.16), dbSNP rs781877536, ClinGen allele CA4929157.

ClinVar aggregate classification (germline): Uncertain significance. Review status: criteria provided, multiple submitters, no conflicts (2 of 4 stars). 5 submissions from 5 submitters: Uncertain significance (5). Last evaluated 2026-07-02.

Conditions:
PLEC-related disorder. Also called: PLEC-related condition; PLEC-related disorders.
Epidermolysis bullosa simplex 5B, with muscular dystrophy (EBS5B). Also called: EPIDERMOLYSIS BULLOSA SIMPLEX AND LIMB-GIRDLE MUSCULAR DYSTROPHY; Epidermolysis bullosa simplex with muscular dystrophy. Identifiers: Orphanet 257, MedGen C2931072, MONDO:0009181, OMIM 226670.
Epidermolysis bullosa simplex with nail dystrophy (EBS5D). Identifiers: MedGen C4225309, MONDO:0014661, OMIM 616487.
Epidermolysis bullosa simplex, Ogna type (EBS5A). Also called: Pidermolysis bullosa simplex 5A, Ogna type; EPIDERMOLYSIS BULLOSA SIMPLEX 5A, OGNA TYPE. Identifiers: Orphanet 79401, MedGen C0432317, MONDO:0007555, OMIM 131950.
Epidermolysis bullosa simplex 5C, with pyloric atresia (EBS5C). Also called: PLEC-Related Epidermolysis Bullosa with Pyloric Atresia; Epidermolysis bullosa simplex with pyloric atresia; PLEC1-Related Epidermolysis Bullosa with Pyloric Atresia. Identifiers: Orphanet 158684, MedGen C2677349, MONDO:0012807, OMIM 612138.
Autosomal recessive limb-girdle muscular dystrophy type 2Q (LGMDR17). Also called: MUSCULAR DYSTROPHY, LIMB-GIRDLE, AUTOSOMAL RECESSIVE 17. Identifiers: Orphanet 254361, MedGen C3150989, MONDO:0013390, OMIM 613723.

Allele frequency attached by ClinVar (database versions not stated): gnomAD 0.00004 and 0.00005; gnomAD exomes 0.00008; TOPMed 0.00005; ExAC 0.00008.
gnomAD v4.1: 38 of 1,608,144 alleles (0.0024%); highest among the groups gnomAD compares: Admixed American, 0.032%; no homozygotes.

Submissions (5):

PreventionGenetics, part of Exact Sciences
Classification: Uncertain significance for PLEC-related condition. Last evaluated: 2026-07-02. Review status: criteria provided, single submitter. Criteria: ACMG Guidelines, 2015. Collection method: clinical testing. Allele origin: germline.
Comment: The PLEC c.118C>T variant is predicted to result in the amino acid substitution p.Arg40Trp. To our knowledge, this variant has not been reported in the literature. This variant is reported in 0.043% of alleles in individuals of Latino descent in gnomAD. At this time, the clinical significance of this variant is uncertain due to the absence of conclusive functional and genetic evidence.

Labcorp Genetics (formerly Invitae), Labcorp
Classification: Uncertain significance for Autosomal recessive limb-girdle muscular dystrophy type 2Q; Epidermolysis bullosa simplex, Ogna type; Epidermolysis bullosa simplex with nail dystrophy; Epidermolysis bullosa simplex 5C, with pyloric atresia; Epidermolysis bullosa simplex 5B, with muscular dystrophy. Last evaluated: 2025-04-14. Review status: criteria provided, single submitter. Criteria: Invitae Variant Classification Sherloc (09022015). Collection method: clinical testing. Allele origin: germline.
Comment: This sequence change replaces arginine, which is basic and polar, with tryptophan, which is neutral and slightly polar, at codon 40 of the PLEC protein (p.Arg40Trp). This variant is present in population databases (rs781877536, gnomAD 0.04%). This variant has not been reported in the literature in individuals affected with PLEC-related conditions. ClinVar contains an entry for this variant (Variation ID: 448050). Experimental studies and prediction algorithms are not available or were not evaluated, and the functional significance of this variant is currently unknown. In summary, the available evidence is currently insufficient to determine the role of this variant in disease. Therefore, it has been classified as a Variant of Uncertain Significance.

Knight Diagnostic Laboratories, Oregon Health and Sciences University
Classification: Uncertain significance for Muscular dystrophy, limb-girdle, type 2q. Last evaluated: 2019-06-19. Review status: criteria provided, single submitter. Criteria: ACMG Guidelines, 2015. Collection method: clinical testing. Allele origin: germline. Observed: 1 variant allele.

Eurofins Ntd Llc (ga)
Classification: Uncertain significance. Last evaluated: 2018-03-13. Review status: criteria provided, single submitter. Criteria: EGL ClinVar v180209 classification definitions. Collection method: clinical testing. Allele origin: germline. Observed: 2 variant alleles, 2 heterozygotes.

Athena Diagnostics
Classification: Uncertain significance. Last evaluated: 2017-02-10. Review status: criteria provided, single submitter. Criteria: Athena Diagnostics Criteria. Collection method: clinical testing. Allele origin: germline.